The following is an entry in ClinVar:

NM_198904.4(GABRG2):c.727G>T (p.Val243Phe)

Gene: GABRG2 (gamma-aminobutyric acid type A receptor subunit gamma2; plus strand). Cytogenetic location: 5q34.
Variant type: single nucleotide variant.
Coding change: c.727G>T on transcript NM_198904.4 (MANE Select); coding-DNA position 727, G replaced by T.
Protein change: p.Val243Phe; replaces valine 243 with phenylalanine.
Molecular consequence: missense variant.
Genome position (GRCh38, 1-based): chr5:162,103,984, G>T. VCF-style: chr5-162103984-G-T. GRCh37 (hg19) VCF-style: chr5-161530990-G-T.
Other names: c.661G>T, p.Val221Phe (NM_001375346.1, NM_001375345.1); c.640G>T, p.Val214Phe (NM_001375347.1); c.307G>T, p.Val103Phe (NM_001375348.1, NM_001375350.1); c.442G>T, p.Val148Phe (NM_001375349.1); c.847G>T, p.Val283Phe (NM_198903.2, NM_001375343.1); c.727G>T, p.Val243Phe (NM_000816.3, NM_001375340.1, NM_001375341.1 and 2 more transcripts); c.718G>T, p.Val240Phe (NM_001375339.1); short protein forms V214F, V243F, V103F, V221F, V240F, V283F, V148F.
Identifiers: ClinVar variation 1044986 (VCV001044986.9), dbSNP rs1287665753, ClinGen allele CA362185177.

ClinVar aggregate classification (germline): Uncertain significance (1 of 4 stars; one submission).

Conditions:
EPILEPSY, CHILDHOOD ABSENCE, SUSCEPTIBILITY TO, 2 (ECA2). Identifiers: Orphanet 64280, MedGen C1843244, OMIM 607681.
Febrile seizures, familial, 8 (FEB8). Also called: CONVULSIONS, FAMILIAL FEBRILE, 8. Identifiers: Orphanet 36387, MedGen C1969810, MONDO:0011891, OMIM 607681.

Submission:

Labcorp Genetics (formerly Invitae), Labcorp
Classification: Uncertain significance for Febrile seizures, familial, 8; EPILEPSY, CHILDHOOD ABSENCE, SUSCEPTIBILITY TO, 2. Last evaluated: 2021-05-07. Review status: criteria provided, single submitter. Criteria: Invitae Variant Classification Sherloc (09022015). Collection method: clinical testing. Allele origin: germline.
Comment: In summary, the available evidence is currently insufficient to determine the role of this variant in disease. Therefore, it has been classified as a Variant of Uncertain Significance. Algorithms developed to predict the effect of missense changes on protein structure and function are either unavailable or do not agree on the potential impact of this missense change (SIFT: "Tolerated"; PolyPhen-2: "Possibly Damaging"; Align-GVGD: "Class C0"). This variant has not been reported in the literature in individuals with GABRG2-related conditions. This variant is not present in population databases (ExAC no frequency). This sequence change replaces valine with phenylalanine at codon 243 of the GABRG2 protein (p.Val243Phe). The valine residue is moderately conserved and there is a small physicochemical difference between valine and phenylalanine.